The following is an entry in ClinVar:

NM_001166412.2(SMOC2):c.1138C>T (p.Arg380Cys)

Gene: SMOC2 (SPARC related modular calcium binding 2; plus strand). Cytogenetic location: 6q27.
Variant type: single nucleotide variant.
Coding change: c.1138C>T on transcript NM_001166412.2 (MANE Select); coding-DNA position 1138, C replaced by T.
Protein change: p.Arg380Cys; replaces arginine 380 with cysteine.
Molecular consequence: missense variant.
Genome position (GRCh38, 1-based): chr6:168,653,081, C>T. VCF-style: chr6-168653081-C-T. GRCh37 (hg19) VCF-style: chr6-169053761-C-T.
Other names: c.1171C>T (NM_022138.2); c.1171C>T, p.Arg391Cys (NM_022138.3); short protein forms R380C, R391C.
Identifiers: ClinVar variation 3378398 (VCV003378398.2).

ClinVar aggregate classification (germline): Uncertain significance. Review status: criteria provided, multiple submitters, no conflicts (2 of 4 stars). 2 submissions from 2 submitters: Uncertain significance (2). Last evaluated 2024-11-20.

Conditions:
Dentin dysplasia type I. Also called: Dentin dysplasia, type 1. Identifiers: Orphanet 314721, Orphanet 99789, MedGen C0399379, MONDO:0007436.

gnomAD v4.1: 20 of 1,614,030 alleles (0.0012%); highest among the groups gnomAD compares: African/African-American, 0.017%; no homozygotes.

Submissions (2):

Ambry Genetics
Classification: Uncertain significance. Last evaluated: 2024-11-20. Review status: criteria provided, single submitter. Criteria: Ambry Variant Classification Scheme 2023. Collection method: clinical testing. Allele origin: germline.

Stomatology Center, Xiangya Hospital, Central South University
Classification: Uncertain significance for Dentin dysplasia, type IA. Review status: criteria provided, single submitter. Criteria: ACMG Guidelines, 2015. Collection method: research. Allele origin: unknown. Affected: yes. Observed: 1 heterozygote.
Comment: This mutation is classified according to ACMG guildlines as PM1: Located in a mutational hot spot and/or critical and well-established functional domain without benign variation; PM2: Absent from controls (or at extremely low frequency if recessive) in Exome Sequencing Project, 1000 Genomes Project, or Exome Aggregation; BP1: Missense variant in a gene for which primarily truncating variants are known to cause disease.